The following is an entry in ClinVar:

NM_000282.4(PCCA):c.1877G>A (p.Ser626Asn)

Gene: PCCA (propionyl-CoA carboxylase subunit alpha; plus strand). Cytogenetic location: 13q32.3.
Variant type: single nucleotide variant.
Coding change: c.1877G>A on transcript NM_000282.4 (MANE Select); coding-DNA position 1877, G replaced by A.
Protein change: p.Ser626Asn; replaces serine 626 with asparagine.
Molecular consequence: missense variant. On other transcripts: non-coding transcript variant (5), intron variant (2).
Genome position (GRCh38, 1-based): chr13:100,449,283, G>A. VCF-style: chr13-100449283-G-A. GRCh37 (hg19) VCF-style: chr13-101101537-G-A.
Other names: c.1799G>A, p.Ser600Asn (NM_001127692.3, NM_001352607.2); c.1877G>A, p.Ser626Asn (NM_001178004.2, NM_001352609.2); c.1733G>A, p.Ser578Asn (NM_001352606.2); c.1655G>A, p.Ser552Asn (NM_001352608.2); c.932G>A, p.Ser311Asn (NM_001352610.2); c.788G>A, p.Ser263Asn (NM_001352612.2); c.1845+23552G>A (NM_001352605.2); c.900+23552G>A (NM_001352611.2); short protein forms S311N, S552N, S578N, S263N, S600N, S626N.
Identifiers: ClinVar variation 2073390 (VCV002073390.2), dbSNP rs1405362563, ClinGen allele CA388695985.

ClinVar aggregate classification (germline): Uncertain significance (1 of 4 stars; one submission).

Conditions:
Propionic acidemia (PROP). Also called: GLYCINEMIA, KETOTIC; HYPERGLYCINEMIA WITH KETOACIDOSIS AND LEUKOPENIA; KETOTIC HYPERGLYCINEMIA. Identifiers: Orphanet 35, MedGen C0268579, MONDO:0011628, OMIM 606054, HP:0003571.

Allele frequency attached by ClinVar (database versions not stated): gnomAD exomes below 0.00001; TOPMed below 0.00001.
gnomAD v4.1: 2 of 1,540,958 alleles (0.00013%); highest among the groups gnomAD compares: Admixed American, 0.002%; no homozygotes.

Submission:

Labcorp Genetics (formerly Invitae), Labcorp
Classification: Uncertain significance for Propionic acidemia. Last evaluated: 2022-08-12. Review status: criteria provided, single submitter. Criteria: Invitae Variant Classification Sherloc (09022015). Collection method: clinical testing. Allele origin: germline.
Comment: In summary, the available evidence is currently insufficient to determine the role of this variant in disease. Therefore, it has been classified as a Variant of Uncertain Significance. Advanced modeling of protein sequence and biophysical properties (such as structural, functional, and spatial information, amino acid conservation, physicochemical variation, residue mobility, and thermodynamic stability) performed at Invitae indicates that this missense variant is not expected to disrupt PCCA protein function. This variant has not been reported in the literature in individuals affected with PCCA-related conditions. This variant is not present in population databases (gnomAD no frequency). This sequence change replaces serine, which is neutral and polar, with asparagine, which is neutral and polar, at codon 626 of the PCCA protein (p.Ser626Asn).